The following is an entry in ClinVar:

NM_001395891.1(CLASP1):c.4302A>C (p.Thr1434=)

Gene: CLASP1 (cytoplasmic linker associated protein 1; minus strand). Cytogenetic location: 2q14.2.
Variant type: single nucleotide variant.
Coding change: c.4302A>C on transcript NM_001395891.1 (MANE Select); coding-DNA position 4302, A replaced by C.
Protein change: p.Thr1434=; no amino-acid change (threonine 1434 retained).
Molecular consequence: synonymous variant.
Genome position (GRCh38, 1-based): chr2:121,348,686, T>G on the plus strand (A>C on the coding strand, the complement: CLASP1 is on the minus strand). VCF-style: chr2-121348686-T-G. GRCh37 (hg19) VCF-style: chr2-122106262-T-G.
Other names: c.4062A>C, p.Thr1354= (NM_001142273.2); c.4038A>C, p.Thr1346= (NM_001142274.2); c.4056A>C, p.Thr1352= (NM_001207051.2, NM_001378005.1); c.4143A>C, p.Thr1381= (NM_001378003.1); c.4035A>C, p.Thr1345= (NM_001378004.1); c.4239A>C, p.Thr1413= (NM_015282.3).
Identifiers: ClinVar variation 4981001 (VCV004981001.1).

ClinVar aggregate classification (germline): Benign (1 of 4 stars; one submission).

Conditions:
CLASP1-related disorder. Also called: CLASP1-related condition.

gnomAD v4.1: 12,501 of 1,612,700 alleles (0.78%); highest among the groups gnomAD compares: Admixed American, 8.1%; 328 homozygotes.

Submission:

PreventionGenetics, part of Exact Sciences
Classification: Benign for CLASP1-related condition. Last evaluated: 2025-03-25. Review status: criteria provided, single submitter. Criteria: ACMG Guidelines, 2015. Collection method: clinical testing. Allele origin: germline.
Comment: This variant is classified as benign based on ACMG/AMP sequence variant interpretation guidelines (Richards et al. 2015 PMID: 25741868, with internal and published modifications).